The following is an entry in ClinVar:

NM_004985.5(KRAS):c.-48G>A

Genes: KRAS (KRAS proto-oncogene, GTPase; minus strand), LOC130007561 (ATAC-STARR-seq lymphoblastoid silent region 4294; plus strand). Cytogenetic location: 12p12.1.
Variant type: single nucleotide variant.
Coding change: c.-48G>A on transcript NM_004985.5 (MANE Select); 48 bases upstream of the start codon, G replaced by A.
Molecular consequence: 5 prime UTR variant.
Genome position (GRCh38, 1-based): chr12:25,250,787, C>T on the plus strand (G>A on the coding strand, the complement: KRAS is on the minus strand). VCF-style: chr12-25250787-C-T. GRCh37 (hg19) VCF-style: chr12-25403721-C-T.
Other names: c.-35G>A (NM_001369786.1, NM_001369787.1); c.-48G>A (NM_033360.4).
Identifiers: ClinVar variation 138062 (VCV000138062.4), dbSNP rs532564755, ClinGen allele CA181063.

ClinVar aggregate classification (germline): Benign/Likely benign. Review status: criteria provided, multiple submitters, no conflicts (2 of 4 stars). 2 submissions from 2 submitters: Benign (1); Likely benign (1). Last evaluated 2014-05-01.

Allele frequency attached by ClinVar (database versions not stated): gnomAD exomes 0.00026; gnomAD 0.00168 and 0.00173; TOPMed 0.00171; 1000 Genomes Project 0.00240; 1000 Genomes Project 30x 0.00265.
gnomAD v4.1: 271 of 210,158 alleles (0.13%); highest among the groups gnomAD compares: African/African-American, 0.57%; no homozygotes.

Submissions (2):

GeneDx
Classification: Benign. Last evaluated: 2014-05-01. Review status: criteria provided, single submitter. Criteria: GeneDx Variant Classification (06012015). Collection method: clinical testing. Allele origin: germline. Affected: yes.
Comment: This variant is considered likely benign or benign based on one or more of the following criteria: it is a conservative change, it occurs at a poorly conserved position in the protein, it is predicted to be benign by multiple in silico algorithms, and/or has population frequency not consistent with disease.

Laboratory for Molecular Medicine, Mass General Brigham Personalized Medicine
Classification: Likely benign. Last evaluated: 2011-06-01. Review status: criteria provided, single submitter. Criteria: LMM Criteria. Collection method: clinical testing. Allele origin: germline. Observed: 1 variant allele.
Comment: -48G>A in the 5'UTR of KRAS: This variant is located in the 5'UTR and variants i n regulatory regions could have an effect on transcriptional or translational ef ficiency. However, no variants in this region of KRAS have been found to be path ogenic in individuals with Noonan spectrum disorders. Therefore, this variant is not expected to have clinical significance.